The following is an entry in ClinVar:

ClinVar aggregate classification (germline): Likely pathogenic (1 of 4 stars; one submission).

Conditions:
PKD1-related disorder. Also called: PKD1-related condition.

Submission:

PreventionGenetics, part of Exact Sciences
Classification: Likely pathogenic for PKD1-related condition. Last evaluated: 2023-03-24. Review status: criteria provided, single submitter. Criteria: ACMG Guidelines, 2015. Collection method: clinical testing. Allele origin: germline.
Comment: The PKD1 c.7114T>G variant is predicted to result in the amino acid substitution p.Ser2372Ala. To our knowledge, this variant has not been reported in the literature. However, a different missense variant in the same codon (c.7115C>G,p.Ser2372Cys) has been reported in a family with autosomal dominant polycystic kidney disease and interpreted as likely pathogenic (Audrézet et al. 2012. PubMed ID: 22508176. Table S5) suggesting that substitution of amino acid residue p.Ser2372 is not tolerated. This variant is not reported in a large population database, indicating this variant is rare. This variant is interpreted as likely pathogenic.

NM_001009944.3(PKD1):c.7114T>G (p.Ser2372Ala)

Gene: PKD1 (polycystin 1, transient receptor potential channel interacting; minus strand). Cytogenetic location: 16p13.3.
Variant type: single nucleotide variant.
Coding change: c.7114T>G on transcript NM_001009944.3 (MANE Select); coding-DNA position 7114, T replaced by G.
Protein change: p.Ser2372Ala; replaces serine 2372 with alanine.
Molecular consequence: missense variant.
Genome position (GRCh38, 1-based): chr16:2,106,900, A>C on the plus strand (T>G on the coding strand, the complement: PKD1 is on the minus strand). VCF-style: chr16-2106900-A-C. GRCh37 (hg19) VCF-style: chr16-2156901-A-C.
Other names: c.7114T>G, p.Ser2372Ala (NM_000296.4); short protein forms S2372A.
Identifiers: ClinVar variation 2634380 (VCV002634380.1), dbSNP rs2544784987, ClinGen allele CA394372025.